The following is an entry in ClinVar:

ClinVar aggregate classification (germline): Uncertain significance (1 of 4 stars; one submission).

Conditions:
Ataxia-telangiectasia syndrome (AT). Also called: Ataxia-telangiectasia, complementation group E; ATAXIA-TELANGIECTASIA, COMPLEMENTATION GROUP A; ATAXIA-TELANGIECTASIA, FRESNO VARIANT; Ataxia-telangiectasia, complementation group D; AT, COMPLEMENTATION GROUP C; Ataxia-telangiectasia. Identifiers: Orphanet 100, MedGen C0004135, MONDO:0008840, OMIM 208900.

Submission:

Labcorp Genetics (formerly Invitae), Labcorp
Classification: Uncertain significance for Ataxia-telangiectasia syndrome. Last evaluated: 2024-05-22. Review status: criteria provided, single submitter. Criteria: Invitae Variant Classification Sherloc (09022015). Collection method: clinical testing. Allele origin: germline.
Comment: This sequence change replaces methionine, which is neutral and non-polar, with lysine, which is basic and polar, at codon 1830 of the ATM protein (p.Met1830Lys). This variant is not present in population databases (gnomAD no frequency). This variant has not been reported in the literature in individuals affected with ATM-related conditions. An algorithm developed to predict the effect of missense changes on protein structure and function (PolyPhen-2) suggests that this variant is likely to be tolerated. In summary, the available evidence is currently insufficient to determine the role of this variant in disease. Therefore, it has been classified as a Variant of Uncertain Significance.

NM_000051.4(ATM):c.5489T>A (p.Met1830Lys)

Gene: ATM (ATM serine/threonine kinase; plus strand). Cytogenetic location: 11q22.3.
Variant type: single nucleotide variant.
Coding change: c.5489T>A on transcript NM_000051.4 (MANE Select); coding-DNA position 5489, T replaced by A.
Protein change: p.Met1830Lys; replaces methionine 1830 with lysine.
Molecular consequence: missense variant.
Genome position (GRCh38, 1-based): chr11:108,303,022, T>A. VCF-style: chr11-108303022-T-A. GRCh37 (hg19) VCF-style: chr11-108173749-T-A.
Other names: c.5489T>A, p.Met1830Lys (NM_001351834.2); short protein forms M1830K.
Identifiers: ClinVar variation 3704421 (VCV003704421.2).